The following is an entry in ClinVar:

NM_005732.4(RAD50):c.5C>T (p.Ser2Phe)

Gene: RAD50 (RAD50 double strand break repair protein; plus strand). Cytogenetic location: 5q31.1.
Variant type: single nucleotide variant.
Coding change: c.5C>T on transcript NM_005732.4 (MANE Select); coding-DNA position 5, C replaced by T.
Protein change: p.Ser2Phe; replaces serine 2 with phenylalanine.
Molecular consequence: missense variant.
Genome position (GRCh38, 1-based): chr5:132,557,329, C>T. VCF-style: chr5-132557329-C-T. GRCh37 (hg19) VCF-style: chr5-131893021-C-T.
Other names: short protein forms S2F.
Identifiers: ClinVar variation 527368 (VCV000527368.11), dbSNP rs1554096631, ClinGen allele CA360950661.
Genomic context (GRCh38, chr5:132,557,329, plus strand): 5'-TCAGTTAAGCCTTTGTGGGCTCCAGGTCCCTGGTGAGATTAGAAACGTTTGCAAACATGT[C>T]CCGGATCGAAAAGATGAGCATTCTGGGCGTGCGGAGTTTTGGAATAGAGGACAAAGATAA-3'
Protein context (NP_005723.2, residues 1-12): M[Ser2Phe]RIEKMSILGV

ClinVar aggregate classification (germline): Conflicting classifications of pathogenicity. Review status: criteria provided, conflicting classifications (1 of 4 stars). 2 submissions from 2 submitters: Uncertain significance (1); Likely benign (1). Last evaluated 2018-08-27.

Conditions:
Hereditary cancer-predisposing syndrome. Also called: Neoplastic Syndromes, Hereditary; Tumor predisposition; Hereditary Cancer Syndrome; Hereditary neoplastic syndrome. Identifiers: Orphanet 140162, MedGen C0027672, MeSH D009386, MONDO:0015356.

Submissions (2):

University of Washington Department of Laboratory Medicine, University of Washington
Classification: Likely benign for Hereditary cancer-predisposing syndrome. Last evaluated: 2018-08-27. Review status: criteria provided, single submitter. Criteria: Tsai GJ et al. (Genet Med 2018). Collection method: research. Allele origin: germline. Inheritance: Autosomal dominant inheritance. Affected: no.
Comment: The RAD50 variant designated as NM_005732.3:c.5C>T (p.Ser2Phe) is classified as likely benign. RAD50 has been associated with a small increase in breast cancer risk in some studies (Damiola et al, 2014, PMID: 24894818; Rebbeck et al 2011, PMID: 21799032), but found not to be associated with breast cancer in others (Couch et al. 2017, PMID: 28418444). In one observed family the RAD50 p.Ser2Phe variant was found not to segregate with breast cancer, as the variant was inherited paternally when close relatives with breast cancer were on the maternal side of the family. This indicates that the variant is less likely to cause breast cancer. In addition, this variant is not found in a key functional domain where other missense variants that are suspected to be associated with breast cancer have been identified (Damiola et al, 2014, PMID: 24894818). This variant is not listed in population databases. It is listed in the ClinVar database (Variation ID: 527368). Computer software programs have conflicting predictions on whether this variant is likely to be tolerated. The combined results are consistent with a classification of likely benign. This variant is not predicted to alter RAD50 function or modify cancer risk. A modest (less than 2-fold) increase in cancer risk due to this variant cannot be excluded. This analysis was performed in conjunction with the family studies project as part of the University of Washington Find My Variant Study.

Labcorp Genetics (formerly Invitae), Labcorp
Classification: Uncertain significance for Hereditary cancer-predisposing syndrome. Last evaluated: 2018-05-24. Review status: criteria provided, single submitter. Criteria: Invitae Variant Classification Sherloc (09022015). Collection method: clinical testing. Allele origin: germline.
Comment: This variant has not been reported in the literature in individuals with RAD50-related disease. In summary, the available evidence is currently insufficient to determine the role of this variant in disease. Therefore, it has been classified as a Variant of Uncertain Significance. Algorithms developed to predict the effect of missense changes on protein structure and function do not agree on the potential impact of this missense change (SIFT: "Deleterious"; PolyPhen-2: "Probably Damaging"; Align-GVGD: "Class C15"). This variant is not present in population databases (ExAC no frequency). This sequence change replaces serine with phenylalanine at codon 2 of the RAD50 protein (p.Ser2Phe). The serine residue is moderately conserved and there is a large physicochemical difference between serine and phenylalanine.